The following is an entry in ClinVar:

ClinVar aggregate classification (germline): Uncertain significance (1 of 4 stars; one submission).

Submission:

GeneDx
Classification: Uncertain significance. Last evaluated: 2025-05-06. Review status: criteria provided, single submitter. Criteria: GeneDx Variant Classification Process June 2021. Collection method: clinical testing. Allele origin: germline. Affected: yes.
Comment: Not observed at significant frequency in large population cohorts (gnomAD); In silico analysis supports that this missense variant has a deleterious effect on protein structure/function; Has not been previously published as pathogenic or benign to our knowledge

NM_001010942.3(RAP1B):c.167T>G (p.Leu56Trp)

Gene: RAP1B (RAP1B, member of RAS oncogene family; plus strand). Cytogenetic location: 12q15.
Variant type: single nucleotide variant.
Coding change: c.167T>G on transcript NM_001010942.3 (MANE Select); coding-DNA position 167, T replaced by G.
Protein change: p.Leu56Trp; replaces leucine 56 with tryptophan.
Molecular consequence: missense variant. On other transcripts: intron variant (3).
Genome position (GRCh38, 1-based): chr12:68,652,035, T>G. VCF-style: chr12-68652035-T-G. GRCh37 (hg19) VCF-style: chr12-69045815-T-G.
Other names: c.167T>G, p.Leu56Trp (NM_001251922.2, NM_015646.6); c.58-2077T>G (NM_001251917.2, NM_001251918.2); c.126+1567T>G (NM_001251921.2); short protein forms L56W.
Identifiers: ClinVar variation 4527829 (VCV004527829.1).